The following is an entry in ClinVar:

ClinVar aggregate classification (germline): Uncertain significance (1 of 4 stars; one submission).

Submission:

Laboratory for Molecular Medicine, Mass General Brigham Personalized Medicine
Classification: Uncertain significance. Last evaluated: 2017-06-26. Review status: criteria provided, single submitter. Criteria: LMM Criteria. Collection method: clinical testing. Allele origin: germline. Observed: 3 variant alleles.
Comment: The p.Asp699Val variant in CDH23 has been identified by our laboratory in the he terozygous state in 3 individuals with hearing loss in one family, though a vari ant on the remaining copy of CDH23 was not identified in any of them. It has not been identified in large population studies. A variant at the same position, p. Computational prediction tools and conservation analysis suggest that this variant may impact the protein, though this information is not predictive enough to determine pathogenicity. In summary, the clinical signific ance of the p.Asp699Val variant is uncertain.

Literature cited by the submitters: PubMed 28000701.

NM_022124.6(CDH23):c.2096A>T (p.Asp699Val)

Gene: CDH23 (cadherin related 23; plus strand). Cytogenetic location: 10q22.1.
Variant type: single nucleotide variant.
Coding change: c.2096A>T on transcript NM_022124.6 (MANE Select); coding-DNA position 2096, A replaced by T.
Protein change: p.Asp699Val; replaces aspartic acid 699 with valine.
Molecular consequence: missense variant.
Genome position (GRCh38, 1-based): chr10:71,690,504, A>T. VCF-style: chr10-71690504-A-T. GRCh37 (hg19) VCF-style: chr10-73450261-A-T.
Other names: c.2096A>T, p.Asp699Val (NM_001171930.2, NM_001171931.2); short protein forms D699V.
Identifiers: ClinVar variation 505076 (VCV000505076.4), dbSNP rs1554856028, ClinGen allele CA377134233.
Genomic context (GRCh38, chr10:71,690,504, plus strand): 5'-GCCCCCACCTTTTTCCCCCTGAAGGAGCCACGGTGCTGTTCCTGAATGCCACAGACCTGG[A>T]CCGCTCCCGGGAGTACGGCCAGGAGTCCATCATCTACTCCTTGGAAGGCTCCACCCAGTT-3'
Protein context (NP_071407.4, residues 689-709): TVLFLNATDL[Asp699Val]RSREYGQESI